The following is an entry in ClinVar:

NM_002880.4(RAF1):c.629C>T (p.Pro210Leu)

Gene: RAF1 (Raf-1 proto-oncogene, serine/threonine kinase; minus strand). Cytogenetic location: 3p25.2.
Variant type: single nucleotide variant.
Coding change: c.629C>T on transcript NM_002880.4 (MANE Select); coding-DNA position 629, C replaced by T.
Protein change: p.Pro210Leu; replaces proline 210 with leucine.
Molecular consequence: missense variant. On other transcripts: non-coding transcript variant (3), intron variant (2).
Genome position (GRCh38, 1-based): chr3:12,606,252, G>A on the plus strand (C>T on the coding strand, the complement: RAF1 is on the minus strand). VCF-style: chr3-12606252-G-A. GRCh37 (hg19) VCF-style: chr3-12647751-G-A.
Other names: c.629C>T, p.Pro210Leu (NM_001354689.3, NM_001354690.3); c.386C>T, p.Pro129Leu (NM_001354691.3, NM_001354692.3, NM_001354694.3); c.339-1963C>T (NM_001354695.3); c.582-1963C>T (NM_001354693.3); short protein forms P129L, P210L.
Identifiers: ClinVar variation 1752688 (VCV001752688.2), dbSNP rs2125406770, ClinGen allele CA351514637.

ClinVar aggregate classification (germline): Uncertain significance (1 of 4 stars; one submission).

Conditions:
Cardiovascular phenotype. Identifiers: MedGen CN230736.

Allele frequency attached by ClinVar (database versions not stated): gnomAD exomes below 0.00001.
gnomAD v4.1: 1 of 1,614,018 alleles (0.000062%); highest among the groups gnomAD compares: Non-Finnish European, 0.000085%; no homozygotes.

Submission:

Ambry Genetics
Classification: Uncertain significance for Cardiovascular phenotype. Last evaluated: 2021-08-26. Review status: criteria provided, single submitter. Criteria: Ambry Variant Classification Scheme 2023. Collection method: clinical testing. Allele origin: germline.
Comment: The p.P210L variant (also known as c.629C>T), located in coding exon 5 of the RAF1 gene, results from a C to T substitution at nucleotide position 629. The proline at codon 210 is replaced by leucine, an amino acid with similar properties. This amino acid position is conserved. In addition, the in silico prediction for this alteration is inconclusive. Since supporting evidence is limited at this time, the clinical significance of this alteration remains unclear.